The following is an entry in ClinVar:

ClinVar aggregate classification (germline): Uncertain significance (1 of 4 stars; one submission).

Submission:

GeneDx
Classification: Uncertain significance. Last evaluated: 2024-11-11. Review status: criteria provided, single submitter. Criteria: GeneDx Variant Classification Process June 2021. Collection method: clinical testing. Allele origin: germline. Affected: yes.
Comment: Not observed at significant frequency in large population cohorts (gnomAD); In silico analysis supports that this missense variant has a deleterious effect on protein structure/function; Has not been previously published as pathogenic or benign to our knowledge

NM_001122659.3(EDNRB):c.356A>T (p.Asn119Ile)

Gene: EDNRB (endothelin receptor type B; minus strand). Cytogenetic location: 13q22.3.
Variant type: single nucleotide variant.
Coding change: c.356A>T on transcript NM_001122659.3 (MANE Select); coding-DNA position 356, A replaced by T.
Protein change: p.Asn119Ile; replaces asparagine 119 with isoleucine.
Molecular consequence: missense variant.
Genome position (GRCh38, 1-based): chr13:77,918,218, T>A on the plus strand (A>T on the coding strand, the complement: EDNRB is on the minus strand). VCF-style: chr13-77918218-T-A. GRCh37 (hg19) VCF-style: chr13-78492353-T-A.
Other names: c.356A>T, p.Asn119Ile (NM_000115.5, NM_003991.4); c.626A>T, p.Asn209Ile (NM_001201397.2); short protein forms N119I, N209I.
Identifiers: ClinVar variation 3899190 (VCV003899190.1).
Genomic context (GRCh38, chr13:77,918,218, plus strand): 5'-AAGATATTGGGACCGTTTCGCATGCACTTGTTCTTGTAGATAATTCTCAGAAGTGTGGAG[T>A]TCCCGATGATCCCCAGCACGAACACAAGGCAGGACACAACCGTGTTGATGTATTTGAAAG-3'
Protein context (NP_001116131.1, residues 109-129): CLVFVLGIIG[Asn119Ile]STLLRIIYKN